The following is an entry in ClinVar:

ClinVar aggregate classification (germline): Likely pathogenic (1 of 4 stars; one submission).

Conditions:
CDKL5 disorder. Identifiers: MedGen CN296942, MONDO:0100039.

Submission:

Centre for Population Genomics, CPG
Classification: Likely pathogenic for CDKL5 disorder. Last evaluated: 2024-09-18. Review status: criteria provided, single submitter. Criteria: McKnight et al. (Hum Mutat. 2022). Collection method: curation. Allele origin: germline. Inheritance: X-linked inheritance.
Comment: This variant has been collected from RettBASE and curated to current modified ACMG/AMP criteria. Based on the classification scheme defined by the ClinGen Rett/Angelman-like Expert Panel for Rett/AS-like Disorders Specifications to the ACMG/AMP Variant Interpretation Guidelines VCEP 3.0, this variant is classified as likely pathogenic. At least the following criteria are met: Predicted to result in loss of function, and LOF is a known mechanism of disease (PVS1). This variant is absent from gnomAD v4 (PM2_Supporting).

NM_001323289.2(CDKL5):c.1581del (p.Thr528fs)

Gene: CDKL5 (cyclin dependent kinase like 5; plus strand). Cytogenetic location: Xp22.13.
Variant type: Deletion.
Coding change: c.1581del on transcript NM_001323289.2 (MANE Select); coding-DNA position 1581, one base deleted (C; older notation c.1581delC).
Protein change: p.Thr528fs; shifts the reading frame from threonine 528.
Molecular consequence: frameshift variant.
Genome position (GRCh38, 1-based): chrX:18,604,505, C deleted; the last of 3 consecutive C bases (chrX:18,604,503-18,604,505); deleting any one gives the same sequence. VCF-style (leftmost placement, unchanged base first): chrX-18604502-TC-T. GRCh37 (hg19) VCF-style: chrX-18622622-TC-T.
Other names: NM_003159.3:c.1581del; c.1581del, p.Thr528fs (NM_001037343.2, NM_003159.3); short protein forms T528fs.
Identifiers: ClinVar variation 3343998 (VCV003343998.1).